The following is an entry in ClinVar:

ClinVar aggregate classification (germline): Uncertain significance (1 of 4 stars; one submission).

Submission:

CeGaT Center for Human Genetics Tuebingen
Classification: Uncertain significance. Last evaluated: 2025-05-01. Review status: criteria provided, single submitter. Criteria: CeGaT Center For Human Genetics Tuebingen Variant Classification Criteria Version 2. Collection method: clinical testing. Allele origin: germline. Affected: yes. Observed: 1 variant allele.
Comment: MTOR: PM2, PM5:Supporting, PP2, PP3

NM_004958.4(MTOR):c.7571A>C (p.Gln2524Pro)

Gene: MTOR (mechanistic target of rapamycin kinase; minus strand). Cytogenetic location: 1p36.22.
Variant type: single nucleotide variant.
Coding change: c.7571A>C on transcript NM_004958.4 (MANE Select); coding-DNA position 7571, A replaced by C.
Protein change: p.Gln2524Pro; replaces glutamine 2524 with proline.
Molecular consequence: missense variant.
Genome position (GRCh38, 1-based): chr1:11,108,244, T>G on the plus strand (A>C on the coding strand, the complement: MTOR is on the minus strand). VCF-style: chr1-11108244-T-G. GRCh37 (hg19) VCF-style: chr1-11168301-T-G.
Other names: c.7571A>C, p.Gln2524Pro (NM_001386500.1); c.6323A>C, p.Gln2108Pro (NM_001386501.1); short protein forms Q2108P, Q2524P.
Identifiers: ClinVar variation 3905975 (VCV003905975.10).